The following is an entry in ClinVar:

NM_033401.5(CNTNAP4):c.517G>A (p.Glu173Lys)

Gene: CNTNAP4 (contactin associated protein family member 4; plus strand). Cytogenetic location: 16q23.1.
Variant type: single nucleotide variant.
Coding change: c.517G>A on transcript NM_033401.5 (MANE Select); coding-DNA position 517, G replaced by A.
Protein change: p.Glu173Lys; replaces glutamic acid 173 with lysine.
Molecular consequence: missense variant. On other transcripts: 5 prime UTR variant (2), non-coding transcript variant (3).
Genome position (GRCh38, 1-based): chr16:76,427,578, G>A. VCF-style: chr16-76427578-G-A. GRCh37 (hg19) VCF-style: chr16-76461475-G-A.
Other names: c.517G>A, p.Glu173Lys (NM_001322178.2, NM_001322179.2, NM_001322188.2 and 1 more transcripts); c.130G>A, p.Glu44Lys (NM_001322180.2); c.514G>A, p.Glu172Lys (NM_001322181.2); c.-965G>A (NM_001322187.2); c.253G>A, p.Glu85Lys (NM_001322189.2); c.-406G>A (NM_001322191.2); c.442G>A, p.Glu148Lys (NM_138994.5); short protein forms E148K, E172K, E173K, E44K, E85K.
Identifiers: ClinVar variation 3044552 (VCV003044552.2), dbSNP rs2079454933, ClinGen allele CA396815283.
Genomic context (GRCh38, chr16:76,427,578, plus strand): 5'-AGATTTCTGCGCTTCATCCCTTTGGAATGGAACCCCAAGGGCAGAATTGGAATGCGAATC[G>A]AAGTGTTCGGATGTGCATACAGTAAGTGTTTGTTTATCCAATACACTGACATAGATATCA-3'
Protein context (NP_207837.2, residues 163-183): NPKGRIGMRI[Glu173Lys]VFGCAYRSEV

ClinVar aggregate classification (germline): Uncertain significance (0 of 4 stars; one submission).

Conditions:
CNTNAP4-related disorder. Also called: CNTNAP4-related condition.

Allele frequency attached by ClinVar (database versions not stated): gnomAD 0.00001; gnomAD exomes 0.00001.
gnomAD v4.1: 13 of 1,611,964 alleles (0.00081%); highest among the groups gnomAD compares: African/African-American, 0.0013%; no homozygotes.

Submission:

PreventionGenetics, part of Exact Sciences
Classification: Uncertain significance for CNTNAP4-related condition. Last evaluated: 2023-10-27. Review status: no assertion criteria provided. Collection method: clinical testing. Allele origin: germline.
Comment: The CNTNAP4 c.130G>A variant is predicted to result in the amino acid substitution p.Glu44Lys. To our knowledge, this variant has not been reported in the literature or in a large population database, indicating this variant is rare. At this time, the clinical significance of this variant is uncertain due to the absence of conclusive functional and genetic evidence.